The following is an entry in ClinVar:

ClinVar aggregate classification (germline): Uncertain significance. Review status: criteria provided, multiple submitters, no conflicts (2 of 4 stars). 2 submissions from 2 submitters: Uncertain significance (2). Last evaluated 2024-11-04.

Conditions:
Hereditary cancer-predisposing syndrome. Also called: Neoplastic Syndromes, Hereditary; Tumor predisposition; Hereditary neoplastic syndrome; Hereditary Cancer Syndrome. Identifiers: Orphanet 140162, MedGen C0027672, MeSH D009386, MONDO:0015356.

Allele frequency attached by ClinVar (database versions not stated): gnomAD exomes below 0.00001.
gnomAD v4.1: 1 of 1,614,044 alleles (0.000062%); no homozygotes.

Submissions (2):

Department of Pathology and Laboratory Medicine, Sinai Health System
Classification: Uncertain significance for Hereditary cancer-predisposing syndrome. Last evaluated: 2024-11-04. Review status: criteria provided, single submitter. Criteria: ACMG Guidelines, 2015. Collection method: clinical testing. Allele origin: germline. Affected: yes.
Comment: The MLH3 c.2315T>C, p.(Val772Ala) variant was not identified in the literature nor was it identified in the ClinVar databases. The variant was identified in dbSNP (rs1158172743). The variant was identified in control databases in 1 of 236,844 chromosomes at a frequency of 0.000004 (Genome Aggregation Database Feb 27, 2017). The variant was observed in the following populations: Ashkenazi Jewish in 1 of 9570 chromosomes (freq: 0.0001); it was not observed in the African, Latino, East Asian, Finnish, European, Other, and South Asian populations. The p.Val772 residue is conserved across mammals and other organisms however four out of four computational analyses (PolyPhen-2, SIFT, AlignGVGD, MutationTaster) do not suggest a high likelihood of impact to the protein; this information is not predictive enough to rule out pathogenicity. The variant occurs outside of the splicing consensus sequence and in silico or computational prediction software programs (SpliceSiteFinder, MaxEntScan, NNSPLICE, GeneSplicer) do not predict a difference in splicing. In summary, based on the above information the clinical significance of this variant cannot be determined with certainty at this time. This variant is classified as a variant of uncertain significance.

Ambry Genetics
Classification: Uncertain significance. Last evaluated: 2024-01-13. Review status: criteria provided, single submitter. Criteria: Ambry Variant Classification Scheme 2023. Collection method: clinical testing. Allele origin: germline.
Comment: The p.V772A variant (also known as c.2315T>C), located in coding exon 1 of the MLH3 gene, results from a T to C substitution at nucleotide position 2315. The valine at codon 772 is replaced by alanine, an amino acid with similar properties. This amino acid position is conserved. In addition, this alteration is predicted to be tolerated by in silico analysis. Since supporting evidence is limited at this time, the clinical significance of this alteration remains unclear.

NM_001040108.2(MLH3):c.2315T>C (p.Val772Ala)

Gene: MLH3 (mutL homolog 3; minus strand). Cytogenetic location: 14q24.3.
Variant type: single nucleotide variant.
Coding change: c.2315T>C on transcript NM_001040108.2 (MANE Select); coding-DNA position 2315, T replaced by C.
Protein change: p.Val772Ala; replaces valine 772 with alanine.
Molecular consequence: missense variant.
Genome position (GRCh38, 1-based): chr14:75,047,341, A>G on the plus strand (T>C on the coding strand, the complement: MLH3 is on the minus strand). VCF-style: chr14-75047341-A-G. GRCh37 (hg19) VCF-style: chr14-75514044-A-G.
Other names: c.2315T>C, p.Val772Ala (NM_014381.3); short protein forms V772A.
Identifiers: ClinVar variation 3232481 (VCV003232481.2), dbSNP rs1158172743, ClinGen allele CA390440968.
Genomic context (GRCh38, chr14:75,047,341, plus strand): 5'-AGCAGAATGTCAGGTTCAACTTGAAGACTGAGATTGGTAGTGACTCCATTACTTTCCTCT[A>G]CTTCTGTATCCAGAGGATTTTCAACCTTCCCATATTGCCTCTTAAACTTCTCTAAAGATC-3'
Protein context (NP_001035197.1, residues 762-782): GKVENPLDTE[Val772Ala]EESNGVTTNL